The following is an entry in ClinVar:

ClinVar aggregate classification (germline): Pathogenic. Review status: criteria provided, multiple submitters, no conflicts (2 of 4 stars). 2 submissions from 2 submitters: Pathogenic (2). Last evaluated 2025-12-30.

Conditions:
Hereditary cancer-predisposing syndrome. Also called: Tumor predisposition; Neoplastic Syndromes, Hereditary; Hereditary Cancer Syndrome; Hereditary neoplastic syndrome. Identifiers: Orphanet 140162, MedGen C0027672, MeSH D009386, MONDO:0015356.
Ataxia-telangiectasia syndrome (AT). Also called: ATAXIA-TELANGIECTASIA, COMPLEMENTATION GROUP A; ATAXIA-TELANGIECTASIA, FRESNO VARIANT; Ataxia-telangiectasia; Ataxia-telangiectasia, complementation group D; AT, COMPLEMENTATION GROUP C; Ataxia-telangiectasia, complementation group E. Identifiers: Orphanet 100, MedGen C0004135, MONDO:0008840, OMIM 208900.

Submissions (2):

Ambry Genetics
Classification: Pathogenic for Hereditary cancer-predisposing syndrome. Last evaluated: 2025-12-30. Review status: criteria provided, single submitter. Criteria: Ambry Variant Classification Scheme 2023. Collection method: clinical testing. Allele origin: germline.
Comment: The c.7313_7314dupCA pathogenic mutation, located in coding exon 49 of the ATM gene, results from a duplication of CA at nucleotide position 7313, causing a translational frameshift with a predicted alternate stop codon (p.V2439Qfs*2). This variant is considered to be rare based on population cohorts in the Genome Aggregation Database (gnomAD). This alteration is expected to result in loss of function by premature protein truncation or nonsense-mediated mRNA decay. As such, this alteration is interpreted as a disease-causing mutation.

Labcorp Genetics (formerly Invitae), Labcorp
Classification: Pathogenic for Ataxia-telangiectasia syndrome. Last evaluated: 2020-07-07. Review status: criteria provided, single submitter. Criteria: Invitae Variant Classification Sherloc (09022015). Collection method: clinical testing. Allele origin: germline.
Comment: This variant has not been reported in the literature in individuals with ATM-related conditions. ClinVar contains an entry for this variant (Variation ID: 826959). For these reasons, this variant has been classified as Pathogenic. Loss-of-function variants in ATM are known to be pathogenic (PMID: 23807571, 25614872). This variant is not present in population databases (ExAC no frequency). This sequence change creates a premature translational stop signal (p.Val2439Glnfs*2) in the ATM gene. It is expected to result in an absent or disrupted protein product.

Literature cited by the submitters: PubMed 23807571 (cited by Labcorp Genetics (formerly Invitae), Labcorp); PubMed 25614872 (cited by Labcorp Genetics (formerly Invitae), Labcorp).

NM_000051.4(ATM):c.7313_7314dup (p.Val2439fs)

Genes: ATM (ATM serine/threonine kinase; plus strand), C11orf65 (chromosome 11 open reading frame 65; minus strand). Cytogenetic location: 11q22.3.
Variant type: Microsatellite.
Coding change: c.7313_7314dup on transcript NM_000051.4 (MANE Select); coding-DNA positions 7313 to 7314, 2 bases duplicated (CA; older notation c.7313_7314dupCA).
Protein change: p.Val2439fs; shifts the reading frame from valine 2439.
Molecular consequence: frameshift variant. On other transcripts: intron variant (2).
Genome position (GRCh38, 1-based): chr11:108,330,219-108,330,220, CA duplicated; duplicating any 2 consecutive bases within chr11:108,330,216-108,330,220 gives the same sequence; the c. name uses the placement nearest the transcript's 3' end. VCF-style (leftmost placement, unchanged base first): chr11-108330215-T-TAC. GRCh37 (hg19) VCF-style: chr11-108200942-T-TAC.
Other names: c.7313_7314dupCA (NM_000051.3); c.7313_7314dup, p.Val2439fs (NM_001351834.2); c.641-21148GT[3] (NM_001330368.2); c.*38+5001GT[3] (NM_001351110.2); short protein forms V2439fs.
Identifiers: ClinVar variation 826959 (VCV000826959.13), dbSNP rs1591159614, ClinGen allele CA915948280.